The following is an entry in ClinVar:

NM_006384.4(CIB1):c.87-141C>T

Gene: CIB1 (calcium and integrin binding 1; minus strand). Cytogenetic location: 15q26.1.
Variant type: single nucleotide variant.
Coding change: c.87-141C>T on transcript NM_006384.4 (MANE Select); 141 bases into the intron before coding-DNA position 87, C replaced by T.
Molecular consequence: intron variant.
Genome position (GRCh38, 1-based): chr15:90,232,468, G>A on the plus strand (C>T on the coding strand, the complement: CIB1 is on the minus strand). VCF-style: chr15-90232468-G-A. GRCh37 (hg19) VCF-style: chr15-90775700-G-A.
Other names: c.87-21C>T (NM_001277764.2).
Identifiers: ClinVar variation 2688351 (VCV002688351.2), dbSNP rs4628940, ClinGen allele CA14089685.

ClinVar aggregate classification (germline): Benign (1 of 4 stars; one submission).

Allele frequency attached by ClinVar (database versions not stated): gnomAD exomes 0.50542; TOPMed 0.51730; gnomAD 0.51958; 1000 Genomes Project 30x 0.61649; 1000 Genomes Project 0.62041.
gnomAD v4.1: 700,134 of 1,379,812 alleles (51%); highest among the groups gnomAD compares: East Asian, 78%; 180,759 homozygotes.

Submission:

Unidad de Genómica Garrahan, Hospital de Pediatría Garrahan
Classification: Benign. Last evaluated: 2024-01-24. Review status: criteria provided, single submitter. Criteria: ACMG Guidelines, 2015. Collection method: clinical testing. Allele origin: germline. Affected: no. Observed: 71 variant alleles.
Comment: This variant is classified as Benign based on local population frequency. This variant was detected in 81% of patients studied by a panel of primary immunodeficiencies. Number of patients: 71. Only high quality variants are reported.